The following is an entry in ClinVar:

NM_001374353.1(GLI2):c.1751A>G (p.Asn584Ser)

Gene: GLI2 (GLI family zinc finger 2; plus strand). Cytogenetic location: 2q14.2.
Variant type: single nucleotide variant.
Coding change: c.1751A>G on transcript NM_001374353.1 (MANE Select); coding-DNA position 1751, A replaced by G.
Protein change: p.Asn584Ser; replaces asparagine 584 with serine.
Molecular consequence: missense variant.
Genome position (GRCh38, 1-based): chr2:120,984,589, A>G. VCF-style: chr2-120984589-A-G. GRCh37 (hg19) VCF-style: chr2-121742165-A-G.
Other names: c.1802A>G, p.Asn601Ser (NM_001371271.1, NM_005270.5); c.1376A>G, p.Asn459Ser (NM_001374354.1); short protein forms N601S, N459S, N584S.
Identifiers: ClinVar variation 330972 (VCV000330972.40), dbSNP rs61732851, ClinGen allele CA1852021.

ClinVar aggregate classification (germline): Benign/Likely benign. Review status: criteria provided, multiple submitters, no conflicts (2 of 4 stars). 6 submissions from 6 submitters: Benign (4); Likely benign (1). 1 of the submissions does not count toward it. Last evaluated 2025-12-01.

Conditions:
Postaxial polydactyly-anterior pituitary anomalies-facial dysmorphism syndrome. Also called: Culler-Jones syndrome. Identifiers: Orphanet 420584, MedGen C4014479, MONDO:0014369, OMIM 615849.
Holoprosencephaly 9 (HPE9). Also called: PITUITARY ANOMALIES WITH HOLOPROSENCEPHALY-LIKE FEATURES; HOLOPROSENCEPHALY WITH MICROPHTHALMIA AND FIRST BRANCHIAL ARCH ANOMALIES. Identifiers: Orphanet 2162, MedGen C1835819, MONDO:0012563, OMIM 610829.
GLI2-related disorder. Also called: GLI2-related disorders; GLI2-related condition.

Allele frequency attached by ClinVar (database versions not stated): gnomAD exomes 0.00021 and 0.00059; ExAC 0.00069; 1000 Genomes Project 30x 0.00094; 1000 Genomes Project 0.00100; ESP Exome Variant Server 0.00200; gnomAD 0.00230 and 0.00254; TOPMed 0.00268.
gnomAD v4.1: 666 of 1,614,216 alleles (0.041%); highest among the groups gnomAD compares: African/African-American, 0.82%; 2 homozygotes.

Submissions (6):

Labcorp Genetics (formerly Invitae), Labcorp
Classification: Benign for Postaxial polydactyly-anterior pituitary anomalies-facial dysmorphism syndrome; Holoprosencephaly 9. Last evaluated: 2025-12-01. Review status: criteria provided, single submitter. Criteria: Invitae Variant Classification Sherloc (09022015). Collection method: clinical testing. Allele origin: germline.

Women's Health and Genetics/Laboratory Corporation of America, LabCorp
Classification: Benign. Last evaluated: 2023-07-12. Review status: criteria provided, single submitter. Criteria: LabCorp Variant Classification Summary - May 2015. Collection method: clinical testing. Allele origin: germline.
Comment: Variant summary: GLI2 c.1802A>G (p.Asn601Ser) results in a conservative amino acid change in the encoded protein sequence. Four of five in-silico tools predict a benign effect of the variant on protein function. The variant allele was found at a frequency of 0.00059 in 254798 control chromosomes, predominantly at a frequency of 0.0085 within the African or African-American subpopulation in the gnomAD database. To our knowledge, no occurrence of c.1802A>G in individuals affected with GLI2-Related Disorders and no experimental evidence demonstrating its impact on protein function have been reported. The following publication has been ascertained in the context of this evaluation (PMID: 26334177). Two submitters have cited clinical-significance assessments for this variant to ClinVar after 2014. All submitters classified the variant as benign. Based on the evidence outlined above, the variant was classified as benign.

CeGaT Center for Human Genetics Tuebingen
Classification: Likely benign. Last evaluated: 2023-01-01. Review status: criteria provided, single submitter. Criteria: CeGaT Center For Human Genetics Tuebingen Variant Classification Criteria Version 2. Collection method: clinical testing. Allele origin: germline. Affected: yes. Observed: 1 variant allele.
Comment: GLI2: BS1

Illumina Laboratory Services, Illumina
Classification: Benign for Holoprosencephaly 9. Last evaluated: 2018-01-13. Review status: criteria provided, single submitter. Criteria: ICSL Variant Classification Criteria 13 December 2019. Collection method: clinical testing. Allele origin: germline.
Comment: This variant was observed in the ICSL laboratory as part of a predisposition screen in an ostensibly healthy population. It had not been previously curated by ICSL or reported in the Human Gene Mutation Database (HGMD: prior to June 1st, 2018), and was therefore a candidate for classification through an automated scoring system. Utilizing variant allele frequency, disease prevalence and penetrance estimates, and inheritance mode, an automated score was calculated to assess if this variant is too frequent to cause the disease. Based on the score and internal cut-off values, a variant classified as benign is not then subjected to further curation. The score for this variant resulted in a classification of benign for this disease.

Breakthrough Genomics
Classification: Benign. Review status: criteria provided, single submitter. Criteria: ACMG Guidelines, 2015. Collection method: not provided. Allele origin: germline. Inheritance: Autosomal dominant inheritance. Affected: yes.

PreventionGenetics, part of Exact Sciences
Classification: Benign for GLI2-related condition. Last evaluated: 2023-12-18. Review status: no assertion criteria provided. Collection method: clinical testing. Allele origin: germline. Not counted in ClinVar's aggregate classification.
Comment: This variant is classified as benign based on ACMG/AMP sequence variant interpretation guidelines (Richards et al. 2015 PMID: 25741868, with internal and published modifications).

Literature cited by the submitters: PubMed 26334177 (cited by Women's Health and Genetics/Laboratory Corporation of America, LabCorp).